The following is an entry in ClinVar:

NM_000186.4(CFH):c.3676C>G (p.Pro1226Ala)

Gene: CFH (complement factor H; plus strand). Cytogenetic location: 1q31.3.
Variant type: single nucleotide variant.
Coding change: c.3676C>G on transcript NM_000186.4 (MANE Select); coding-DNA position 3676, C replaced by G.
Protein change: p.Pro1226Ala; replaces proline 1226 with alanine.
Molecular consequence: missense variant.
Genome position (GRCh38, 1-based): chr1:196,747,293, C>G. VCF-style: chr1-196747293-C-G. GRCh37 (hg19) VCF-style: chr1-196716423-C-G.
Other names: short protein forms P1226A.
Identifiers: ClinVar variation 3902577 (VCV003902577.1).
Genomic context (GRCh38, chr1:196,747,293, plus strand): 5'-CGTCTTTCATCACGTTCTCACACATTGCGAACAACATGTTGGGATGGGAAACTGGAGTAT[C>G]CAACTTGTGCAAAAAGATAGAATCAATCATAAAGTGCACACCTTTATTCAGAACTTTAGT-3'
Protein context (NP_000177.2, residues 1216-1231): TTCWDGKLEY[Pro1226Ala]TCAKR

ClinVar aggregate classification (germline): Uncertain significance (1 of 4 stars; one submission).

gnomAD v4.1: 2 of 1,614,022 alleles (0.00012%); highest among the groups gnomAD compares: Non-Finnish European, 0.00017%; no homozygotes.

Submission:

Women's Health and Genetics/Laboratory Corporation of America, LabCorp
Classification: Uncertain significance. Last evaluated: 2025-05-28. Review status: criteria provided, single submitter. Criteria: LabCorp Variant Classification Summary - May 2015. Collection method: clinical testing. Allele origin: germline.
Comment: Variant summary: CFH c.3676C>G (p.Pro1226Ala) results in a non-conservative amino acid change in the encoded protein sequence. Algorithms developed to predict the effect of missense changes on protein structure and function all suggest that this variant is likely to be disruptive. The variant was absent in 251354 control chromosomes. The available data on variant occurrences in the general population are insufficient to allow any conclusion about variant significance. c.3676C>G has been observed in at-least two individuals with suspected complement-mediated atypical hemolytic uremic syndrome (example: Brocklebank_2023). These report(s) do not provide unequivocal conclusions about association of the variant with Genetic Atypical Hemolytic Uremic Syndrome. To our knowledge, no experimental evidence demonstrating an impact on protein function has been reported. The following publication has been ascertained in the context of this evaluation (PMID: 37369098). No submitters have cited clinical-significance assessments for this variant to ClinVar. Based on the evidence outlined above, the variant was classified as uncertain significance.

Literature cited by the submitters: PubMed 37369098.